The following is an entry in ClinVar:

NM_000718.4(CACNA1B):c.*80C>T

Gene: CACNA1B (calcium voltage-gated channel subunit alpha1 B; plus strand). Cytogenetic location: 9q34.3.
Variant type: single nucleotide variant.
Coding change: c.*80C>T on transcript NM_000718.4 (MANE Select); 80 bases downstream of the stop codon, C replaced by T.
Molecular consequence: 3 prime UTR variant.
Genome position (GRCh38, 1-based): chr9:138,122,079, C>T. VCF-style: chr9-138122079-C-T. GRCh37 (hg19) VCF-style: chr9-141016531-C-T.
Other names: c.*199C>T (NM_001243812.2).
Identifiers: ClinVar variation 1192560 (VCV001192560.6), dbSNP rs2229949, ClinGen allele CA13138159.

ClinVar aggregate classification (germline): Benign. Review status: criteria provided, multiple submitters, no conflicts (2 of 4 stars). 4 submissions from 4 submitters: Benign (4). Last evaluated 2024-07-31.

Conditions:
Neurodevelopmental disorder with seizures and nonepileptic hyperkinetic movements. Identifiers: MedGen C5193128, MONDO:0032784, OMIM 618497.

Allele frequency attached by ClinVar (database versions not stated): 1000 Genomes Project 30x 0.71643; 1000 Genomes Project 0.72284; TOPMed 0.75067; gnomAD 0.75995 and 0.76266; gnomAD exomes 0.85178.
gnomAD v4.1: 1,131,067 of 1,344,034 alleles (84%); highest among the groups gnomAD compares: Middle Eastern, 88%; 481,038 homozygotes.

Submissions (4):

Unidad de Genómica Garrahan, Hospital de Pediatría Garrahan
Classification: Benign. Last evaluated: 2024-07-31. Review status: criteria provided, single submitter. Criteria: ACMG Guidelines, 2015. Collection method: clinical testing. Allele origin: germline. Affected: no. Observed: 47 variant alleles.
Comment: This variant is classified as Benign based on local population frequency. This variant was detected in 51% of patients studied in a panel designed for Epileptic and Developmental Encephalopathy, Progressive Myoclonus Epilepsy and Abnormal Movements and Neurodegeneration with brain iron accumulation. Number of patients: 47. Only high quality variants are reported.

Genome-Nilou Lab
Classification: Benign for Neurodevelopmental disorder with seizures and nonepileptic hyperkinetic movements. Last evaluated: 2021-07-14. Review status: criteria provided, single submitter. Criteria: ACMG Guidelines, 2015. Collection method: clinical testing. Allele origin: germline. Affected: no.

GeneDx
Classification: Benign. Last evaluated: 2021-03-15. Review status: criteria provided, single submitter. Criteria: GeneDx Variant Classification Process June 2021. Collection method: clinical testing. Allele origin: germline. Affected: yes.

Breakthrough Genomics
Classification: Benign. Review status: criteria provided, single submitter. Criteria: ACMG Guidelines, 2015. Collection method: not provided. Allele origin: germline. Inheritance: Autosomal recessive inheritance. Affected: yes.